The following is an entry in ClinVar:

NM_000719.7(CACNA1C):c.50G>A (p.Gly17Asp)

Gene: CACNA1C (calcium voltage-gated channel subunit alpha1 C; plus strand). Cytogenetic location: 12p13.33.
Variant type: single nucleotide variant.
Coding change: c.50G>A on transcript NM_000719.7 (MANE Select); coding-DNA position 50, G replaced by A.
Protein change: p.Gly17Asp; replaces glycine 17 with aspartic acid.
Molecular consequence: missense variant.
Genome position (GRCh38, 1-based): chr12:2,115,224, G>A. VCF-style: chr12-2115224-G-A. GRCh37 (hg19) VCF-style: chr12-2224390-G-A.
Other names: p.G17D:GGT>GAT; c.50G>A, p.Gly17Asp (NM_001129827.2, NM_001129829.2, NM_001129830.3 and 19 more transcripts); short protein forms G17D.
Identifiers: ClinVar variation 190620 (VCV000190620.9), dbSNP rs747083495, ClinGen allele CA301132.
Genomic context (GRCh38, chr12:2,115,224, plus strand): 5'-GTCGGAAGTGCCCCTGTTTTCTATCTAGTAACTGTTGTGTTCTTTTCTCTTTTGCCACAG[G>A]TTCCAACTATGGGAGCCCACGCCCCGCCCATGCCAACATGAATGCCAATGCGGCAGCGGG-3'
Protein context (NP_000710.5, residues 7-27): RMYIPEENHQ[Gly17Asp]SNYGSPRPAH

ClinVar aggregate classification (germline): Conflicting classifications of pathogenicity. Review status: criteria provided, conflicting classifications (1 of 4 stars). 2 submissions from 2 submitters: Uncertain significance (1); Likely benign (1). Last evaluated 2018-01-18.

Conditions:
Long QT syndrome (LQTS). Identifiers: MedGen C0023976, MeSH D008133, MONDO:0002442. Disease mechanism: loss of function. Inheritance: Various modes of inheritance.

Allele frequency attached by ClinVar (database versions not stated): TOPMed below 0.00001; ExAC 0.00004.
gnomAD v4.1: 3 of 1,556,456 alleles (0.00019%); highest among the groups gnomAD compares: Non-Finnish European, 0.00026%; no homozygotes.

Submissions (2):

Labcorp Genetics (formerly Invitae), Labcorp
Classification: Uncertain significance for Long QT syndrome. Last evaluated: 2018-01-18. Review status: criteria provided, single submitter. Criteria: Invitae Variant Classification Sherloc (09022015). Collection method: clinical testing. Allele origin: germline.
Comment: In summary, the available evidence is currently insufficient to determine the role of this variant in disease. Therefore, it has been classified as a Variant of Uncertain Significance. Algorithms developed to predict the effect of missense changes on protein structure and function (SIFT, PolyPhen-2, Align-GVGD) all suggest that this variant is likely to be tolerated, but these predictions have not been confirmed by published functional studies and their clinical significance is uncertain. This variant has not been reported in the literature in individuals with CACNA1C-related disease. ClinVar contains an entry for this variant (Variation ID: 190620). This variant is present in population databases (rs747083495, ExAC 0.007%). This sequence change replaces glycine with aspartic acid at codon 17 of the CACNA1C protein (p.Gly17Asp). The glycine residue is weakly conserved and there is a moderate physicochemical difference between glycine and aspartic acid.

GeneDx
Classification: Likely benign. Last evaluated: 2012-09-19. Review status: criteria provided, single submitter. Criteria: GeneDx Variant Classification (06012015). Collection method: clinical testing. Allele origin: germline. Affected: yes.
Comment: This variant is considered likely benign or benign based on one or more of the following criteria: it is a conservative change, it occurs at a poorly conserved position in the protein, it is predicted to be benign by multiple in silico algorithms, and/or has population frequency not consistent with disease.